The following is an entry in ClinVar:

NM_000744.7(CHRNA4):c.1232_1233delinsTT (p.Pro411Leu)

Gene: CHRNA4 (cholinergic receptor nicotinic alpha 4 subunit; minus strand). Cytogenetic location: 20q13.33.
Variant type: Indel.
Coding change: c.1232_1233delinsTT on transcript NM_000744.7 (MANE Select); coding-DNA positions 1232 to 1233, CC replaced by TT.
Protein change: p.Pro411Leu; replaces proline 411 with leucine.
Molecular consequence: missense variant. On other transcripts: non-coding transcript variant (1).
Genome position (GRCh38, 1-based): chr20:63,350,178-63,350,179, GG replaced by AA on the plus strand (CC replaced by TT on the coding strand, the reverse complement: CHRNA4 is on the minus strand). VCF-style: chr20-63350178-GG-AA. GRCh37 (hg19) VCF-style: chr20-61981530-GG-AA.
Other names: c.704_705delinsTT, p.Pro235Leu (NM_001256573.2); short protein forms P235L, P411L.
Identifiers: ClinVar variation 4737438 (VCV004737438.1).
Genomic context (GRCh38, chr20:63,350,178, plus strand): 5'-AGGAGGGAGCTGGTCGGAGGGTGACTTGCAGGAAGGCCCAGGCTCAGCCGGCACATCCAG[GG>AA]GGACACAGAAGGACGGTGAGGGCGGGTGCAGGCTCTGGGTGCCGCTCGTGGCAGGGGGCT-3'
Protein context (NP_000735.1, residues 401-421): LHPPSPSFCV[Pro411Leu]LDVPAEPGPS

ClinVar aggregate classification (germline): Uncertain significance (1 of 4 stars; one submission).

Conditions:
Familial sleep-related hypermotor epilepsy. Also called: Autosomal Dominant Sleep-Related Hypermotor (Hyperkinetic) Epilepsy. Identifiers: Orphanet 98784, MedGen C3696898, MONDO:0000030.

Submission:

Labcorp Genetics (formerly Invitae), Labcorp
Classification: Uncertain significance. Last evaluated: 2025-10-06. Review status: criteria provided, single submitter. Criteria: Invitae Variant Classification Sherloc (09022015). Collection method: clinical testing. Allele origin: germline.
Comment: This sequence change replaces proline, which is neutral and non-polar, with leucine, which is neutral and non-polar, at codon 411 of the CHRNA4 protein (p.Pro411Leu). Information on the frequency of this variant in the gnomAD database is not available, as this variant may be reported differently in the database. This variant has not been reported in the literature in individuals affected with CHRNA4-related conditions. This missense change has been observed in at least one individual who was not affected with CHRNA4-related conditions (internal data). An algorithm developed to predict the effect of missense changes on protein structure and function (PolyPhen-2) suggests that this variant is likely to be tolerated. In summary, the available evidence is currently insufficient to determine the role of this variant in disease. Therefore, it has been classified as a Variant of Uncertain Significance.